The following is an entry in ClinVar:

ClinVar aggregate classification (germline): Uncertain significance (1 of 4 stars; one submission).

Allele frequency attached by ClinVar (database versions not stated): TOPMed 0.00003; gnomAD 0.00005 and 0.00006; gnomAD exomes 0.00005 and 0.00006; ExAC 0.00007.
gnomAD v4.1: 83 of 1,613,652 alleles (0.0051%); highest among the groups gnomAD compares: East Asian, 0.02%; no homozygotes.

Submission:

Labcorp Genetics (formerly Invitae), Labcorp
Classification: Uncertain significance. Last evaluated: 2022-04-13. Review status: criteria provided, single submitter. Criteria: Invitae Variant Classification Sherloc (09022015). Collection method: clinical testing. Allele origin: germline.
Comment: This sequence change replaces valine, which is neutral and non-polar, with methionine, which is neutral and non-polar, at codon 148 of the MYO18B protein (p.Val148Met). This variant is present in population databases (rs768072435, gnomAD 0.02%). This missense change has been observed in individual(s) with clinical features of MYO18B-related conditions (PMID: 32668055). Algorithms developed to predict the effect of missense changes on protein structure and function output the following: SIFT: "Not Available"; PolyPhen-2: "Benign"; Align-GVGD: "Not Available". The methionine amino acid residue is found in multiple mammalian species, which suggests that this missense change does not adversely affect protein function. In summary, the available evidence is currently insufficient to determine the role of this variant in disease. Therefore, it has been classified as a Variant of Uncertain Significance.

Literature cited by the submitters: PubMed 32668055.

NM_032608.7(MYO18B):c.442G>A (p.Val148Met)

Gene: MYO18B (myosin XVIIIB; plus strand). Cytogenetic location: 22q12.1.
Variant type: single nucleotide variant.
Coding change: c.442G>A on transcript NM_032608.7 (MANE Select); coding-DNA position 442, G replaced by A.
Protein change: p.Val148Met; replaces valine 148 with methionine.
Molecular consequence: missense variant.
Genome position (GRCh38, 1-based): chr22:25,768,358, G>A. VCF-style: chr22-25768358-G-A. GRCh37 (hg19) VCF-style: chr22-26164325-G-A.
Other names: c.442G>A, p.Val148Met (NM_001318245.2); short protein forms V148M.
Identifiers: ClinVar variation 1383649 (VCV001383649.5), dbSNP rs768072435, ClinGen allele CA10159585.